The following is an entry in ClinVar:

ClinVar aggregate classification (germline): Uncertain significance (1 of 4 stars; one submission).

Conditions:
Charcot-Marie-Tooth disease type 4. Also called: Charcot-Marie-Tooth, Type 4; Charcot-Marie-Tooth disease, type IV. Identifiers: Orphanet 64749, MedGen C4082197, MONDO:0018995.

Allele frequency attached by ClinVar (database versions not stated): gnomAD exomes below 0.00001; ExAC 0.00001; gnomAD 0.00001; TOPMed 0.00002.
gnomAD v4.1: 3 of 1,605,472 alleles (0.00019%); highest among the groups gnomAD compares: East Asian, 0.0067%; no homozygotes.

Submission:

Labcorp Genetics (formerly Invitae), Labcorp
Classification: Uncertain significance for Charcot-Marie-Tooth disease type 4. Last evaluated: 2021-09-01. Review status: criteria provided, single submitter. Criteria: Invitae Variant Classification Sherloc (09022015). Collection method: clinical testing. Allele origin: germline.
Comment: This sequence change replaces glutamic acid with valine at codon 439 of the SBF2 protein (p.Glu439Val). The glutamic acid residue is moderately conserved and there is a moderate physicochemical difference between glutamic acid and valine. This variant is present in population databases (rs754505342, ExAC 0.01%). This variant has not been reported in the literature in individuals affected with SBF2-related conditions. Algorithms developed to predict the effect of missense changes on protein structure and function are either unavailable or do not agree on the potential impact of this missense change (SIFT: "Deleterious"; PolyPhen-2: "Possibly Damaging"; Align-GVGD: "Class C0"). In summary, the available evidence is currently insufficient to determine the role of this variant in disease. Therefore, it has been classified as a Variant of Uncertain Significance.

NM_030962.4(SBF2):c.1316A>T (p.Glu439Val)

Gene: SBF2 (SET binding factor 2; minus strand). Cytogenetic location: 11p15.4.
Variant type: single nucleotide variant.
Coding change: c.1316A>T on transcript NM_030962.4 (MANE Select); coding-DNA position 1316, A replaced by T.
Protein change: p.Glu439Val; replaces glutamic acid 439 with valine.
Molecular consequence: missense variant.
Genome position (GRCh38, 1-based): chr11:9,989,576, T>A on the plus strand (A>T on the coding strand, the complement: SBF2 is on the minus strand). VCF-style: chr11-9989576-T-A. GRCh37 (hg19) VCF-style: chr11-10011123-T-A.
Other names: c.1316A>T, p.Glu439Val (NM_001386339.1); c.1187A>T, p.Glu396Val (NM_001386342.1); short protein forms E396V, E439V.
Identifiers: ClinVar variation 1045553 (VCV001045553.7), dbSNP rs754505342, ClinGen allele CA5881860.